The following is an entry in ClinVar:

NM_012418.4(FSCN2):c.1271G>A (p.Arg424Gln)

Gene: FSCN2 (fascin actin-bundling protein 2, retinal; plus strand). Cytogenetic location: 17q25.3.
Variant type: single nucleotide variant.
Coding change: c.1271G>A on transcript NM_012418.4 (MANE Select); coding-DNA position 1271, G replaced by A.
Protein change: p.Arg424Gln; replaces arginine 424 with glutamine.
Molecular consequence: missense variant.
Genome position (GRCh38, 1-based): chr17:81,536,787, G>A. VCF-style: chr17-81536787-G-A. GRCh37 (hg19) VCF-style: chr17-79503813-G-A.
Other names: c.1343G>A, p.Arg448Gln (NM_001077182.3); short protein forms R424Q, R448Q.
Identifiers: ClinVar variation 1913999 (VCV001913999.5), dbSNP rs1018832503, ClinGen allele CA295085505.
Genomic context (GRCh38, chr17:81,536,787, plus strand): 5'-CCAACCGCTCCGTCTACGACGTCTTCCACCTGAGCTTCAGCGACGGCGCCTACCGGATCC[G>A]AGGTGCGTGGCGGGGCGGGTGGGCACGCGGGAGCGGGGGTGGCAGCGGGCAGGTGGGCAC-3'
Protein context (NP_036550.1, residues 414-434): LSFSDGAYRI[Arg424Gln]GRDGGFWYTG

ClinVar aggregate classification (germline): Uncertain significance (1 of 4 stars; one submission).

Allele frequency attached by ClinVar (database versions not stated): gnomAD exomes below 0.00001; gnomAD 0.00001; TOPMed 0.00002.
gnomAD v4.1: 5 of 1,589,332 alleles (0.00031%); highest among the groups gnomAD compares: Admixed American, 0.0017%; no homozygotes.

Submission:

Labcorp Genetics (formerly Invitae), Labcorp
Classification: Uncertain significance. Last evaluated: 2025-11-18. Review status: criteria provided, single submitter. Criteria: Invitae Variant Classification Sherloc (09022015). Collection method: clinical testing. Allele origin: germline.
Comment: This sequence change replaces arginine, which is basic and polar, with glutamine, which is neutral and polar, at codon 448 of the FSCN2 protein (p.Arg448Gln). The frequency data for this variant in the population databases is considered unreliable, as metrics indicate poor data quality at this position in the gnomAD database. This variant has not been reported in the literature in individuals affected with FSCN2-related conditions. ClinVar contains an entry for this variant (Variation ID: 1913999). An algorithm developed to predict the effect of missense changes on protein structure and function (PolyPhen-2) suggests that this variant is likely to be disruptive. In summary, the available evidence is currently insufficient to determine the role of this variant in disease. Therefore, it has been classified as a Variant of Uncertain Significance.